The following is an entry in ClinVar:

NM_005548.3(KARS1):c.822C>G (p.Ile274Met)

Gene: KARS1 (lysyl-tRNA synthetase 1; minus strand). Cytogenetic location: 16q23.1.
Variant type: single nucleotide variant.
Coding change: c.822C>G on transcript NM_005548.3 (MANE Select); coding-DNA position 822, C replaced by G.
Protein change: p.Ile274Met; replaces isoleucine 274 with methionine.
Molecular consequence: missense variant.
Genome position (GRCh38, 1-based): chr16:75,634,266, G>C on the plus strand (C>G on the coding strand, the complement: KARS1 is on the minus strand). VCF-style: chr16-75634266-G-C. GRCh37 (hg19) VCF-style: chr16-75668164-G-C.
Other names: c.906C>G, p.Ile302Met (NM_001130089.2); c.354C>G, p.Ile118Met (NM_001378148.1); short protein forms I302M, I274M, I118M.
Identifiers: ClinVar variation 637712 (VCV000637712.12), dbSNP rs146955132, ClinGen allele CA8177489.

ClinVar aggregate classification (germline): Benign/Likely benign. Review status: criteria provided, multiple submitters, no conflicts (2 of 4 stars). 4 submissions from 4 submitters: Benign (2); Likely benign (1). 1 of the submissions does not count toward it. Last evaluated 2024-11-26.

Conditions:
Charcot-Marie-Tooth disease. Also called: Charcot-Marie-Tooth Hereditary Neuropathy; Charcot-Marie-Tooth Neuropathy. Identifiers: Orphanet 166, MedGen C0007959, MONDO:0015626.

Allele frequency attached by ClinVar (database versions not stated): gnomAD exomes 0.00016 and 0.00036; TOPMed 0.00019; gnomAD 0.00021 and 0.00022; ExAC 0.00030; ESP Exome Variant Server 0.00046.
gnomAD v4.1: 289 of 1,613,876 alleles (0.018%); highest among the groups gnomAD compares: Admixed American, 0.0033%; 1 homozygote.

Submissions (4):

Blueprint Genetics
Classification: Likely benign. Last evaluated: 2024-11-26. Review status: criteria provided, single submitter. Criteria: ACMG Guidelines, 2015. Collection method: clinical testing. Allele origin: germline.

Labcorp Genetics (formerly Invitae), Labcorp
Classification: Benign. Last evaluated: 2024-10-24. Review status: criteria provided, single submitter. Criteria: Invitae Variant Classification Sherloc (09022015). Collection method: clinical testing. Allele origin: germline.

GeneDx
Classification: Benign. Last evaluated: 2021-01-26. Review status: criteria provided, single submitter. Criteria: GeneDx Variant Classification Process June 2021. Collection method: clinical testing. Allele origin: germline. Affected: yes.
Comment: This variant is associated with the following publications: (PMID: 31116475, 20920668, 25476837)

Inherited Neuropathy Consortium
Classification: Uncertain significance for Charcot-Marie-Tooth disease. Review status: no assertion criteria provided. Collection method: literature only. Allele origin: germline. Affected: yes. Not counted in ClinVar's aggregate classification.

Literature cited by the submitters: PubMed 20920668 (cited by Inherited Neuropathy Consortium).